The following is an entry in ClinVar:

NM_020988.3(GNAO1):c.736G>A (p.Glu246Lys)

Gene: GNAO1 (G protein subunit alpha o1; plus strand). Cytogenetic location: 16q13.
Variant type: single nucleotide variant.
Coding change: c.736G>A on transcript NM_020988.3 (MANE Select); coding-DNA position 736, G replaced by A.
Protein change: p.Glu246Lys; replaces glutamic acid 246 with lysine.
Molecular consequence: missense variant.
Genome position (GRCh38, 1-based): chr16:56,351,396, G>A. VCF-style: chr16-56351396-G-A. GRCh37 (hg19) VCF-style: chr16-56385308-G-A.
Other names: short protein forms E246K.
Identifiers: ClinVar variation 208777 (VCV000208777.44), dbSNP rs797044951, ClinGen allele CA204886.

ClinVar aggregate classification (germline): Pathogenic. Review status: criteria provided, multiple submitters, no conflicts (2 of 4 stars). 13 submissions from 12 submitters: Pathogenic (11). 2 of the submissions do not count toward it. Last evaluated 2026-02-25.

Conditions:
Early-infantile DEE. Also called: Early infantile epileptic encephalopathy; Early infantile epileptic encephalopathy with suppression bursts; Ohtahara syndrome. Identifiers: Orphanet 1934, MedGen C0393706, MONDO:0800491.
Inborn genetic diseases. Identifiers: MedGen C0950123, MeSH D030342.
GNAO1-related developmental delay-seizures-movement disorder spectrum. Identifiers: MedGen C5680303, MONDO:0035660.
Neurodevelopmental disorder with involuntary movements (NEDIM). Identifiers: Orphanet 592564, MedGen C4479569, MONDO:0060491, OMIM 617493.
Developmental delay. Also called: Delayed development. Identifiers: MedGen C0424605.
Abnormality of the nervous system. Also called: Congenital nervous system disorder. Identifiers: MedGen C0497552, MONDO:0002320, HP:0000707.

Submissions (13):

Dasa
Classification: Pathogenic. Last evaluated: 2026-02-25. Review status: criteria provided, single submitter. Criteria: DASA Assertion Criteria. Collection method: clinical testing. Allele origin: germline.
Comment: NM_020988.3(GNAO1):c.736G>A (p.Glu246Lys) is a missense variant that results in the substitution of glutamic acid with lysine. De novo occurrence has been reported in an individual with related phenotype. Functional evidence supports a deleterious effect on the gene or gene product (PMID: 28747448; PMID: 27068059; PMID: 28628939; PMID: 25966631; PMID: 33298085). This variant has been recurrently observed in individuals with related phenotype (PMID: 28747448; PMID: 27068059; PMID: 28628939; PMID: 25966631; PMID: 33298085). Multiple computational predictions support a deleterious effect on the gene or gene product. The variant is present at low frequency in population datasets. Based on the available data, this variant is classified as pathogenic.

3billion
Classification: Pathogenic for Neurodevelopmental disorder with involuntary movements. Last evaluated: 2025-07-18. Review status: criteria provided, single submitter. Criteria: ACMG Guidelines, 2015. Collection method: clinical testing. Allele origin: germline. Affected: yes.
Comment: The variant is not observed in the gnomAD v4.1.0 dataset. Predicted Consequence/Location: Missense variant. Missense changes are a common disease-causing mechanism. Functional studies provide strong evidence of the variant having a damaging effect on the gene or gene product (PMID: 28747448). In silico tool predictions suggest damaging effect of the variant on gene or gene product [REVEL: 0.84 (>=0.6, sensitivity 0.68 and specificity 0.92); 3Cnet: 0.95 (> 0.75, sensitivity 0.96 and precision 0.92)]. The same nucleotide change resulting in the same amino acid change has been previously reported as pathogenic/likely pathogenic with strong evidence (ClinVar ID: VCV000208777 /PMID: 25966631 /3billion dataset). The variant has been previously reported as de novo in a similarly affected individual (PMID: 27068059). The variant has been observed in at least two similarly affected unrelated individuals (PMID: 27068059 /3billion dataset). Different missense changes at the same codon (p.Glu246Gln, p.Glu246Gly, p.Glu246Val) have been reported as pathogenic/likely pathogenic with strong evidence (ClinVar ID: VCV000427730, VCV000689763, VCV001685336 /PMID: 28357411, 31216405, 35722775). Therefore, this variant is classified as Pathogenic according to the recommendation of ACMG/AMP guideline.

Revvity Omics, Revvity
Classification: Pathogenic. Last evaluated: 2025-02-27. Review status: criteria provided, single submitter. Criteria: ACMG Guidelines, 2015. Collection method: clinical testing. Allele origin: germline.

GeneDx
Classification: Pathogenic. Last evaluated: 2023-12-26. Review status: criteria provided, single submitter. Criteria: GeneDx Variant Classification Process June 2021. Collection method: clinical testing. Allele origin: germline. Affected: yes.
Comment: Cells transfected with the E246K variant exhibited lower protein levels compared to wild-type, and functional studies demonstrated a gain-of-function effect for the E246K variant (PMID: 28747448); Not observed at significant frequency in large population cohorts (gnomAD); In silico analysis supports that this missense variant has a deleterious effect on protein structure/function; This variant is associated with the following publications: (PMID: 31076915, 27068059, 25356970, 26795593, 25966631, 28688840, 28628939, 29761117, 28668776, 33298085, 34122306, 28747448)

Labcorp Genetics (formerly Invitae), Labcorp
Classification: Pathogenic for Early-infantile DEE. Last evaluated: 2022-10-24. Review status: criteria provided, single submitter. Criteria: Invitae Variant Classification Sherloc (09022015). Collection method: clinical testing. Allele origin: germline.
Comment: This missense change has been observed in individual(s) with neurodevelopmental disorder with involuntary movements (PMID: 27068059). In at least one individual the variant was observed to be de novo. This variant is not present in population databases (gnomAD no frequency). This sequence change replaces glutamic acid, which is acidic and polar, with lysine, which is basic and polar, at codon 246 of the GNAO1 protein (p.Glu246Lys). ClinVar contains an entry for this variant (Variation ID: 208777). For these reasons, this variant has been classified as Pathogenic. Experimental studies have shown that this missense change affects GNAO1 function (PMID: 28747448). Advanced modeling of protein sequence and biophysical properties (such as structural, functional, and spatial information, amino acid conservation, physicochemical variation, residue mobility, and thermodynamic stability) performed at Invitae indicates that this missense variant is expected to disrupt GNAO1 protein function.

Kariminejad - Najmabadi Pathology & Genetics Center
Classification: Pathogenic for Abnormality of the nervous system. Last evaluated: 2021-07-10. Review status: criteria provided, single submitter. Criteria: ACMG Guidelines, 2015. Collection method: clinical testing. Allele origin: de novo. Affected: yes.

Institute of Medical Genetics and Applied Genomics, University Hospital Tübingen
Classification: Pathogenic. Last evaluated: 2020-10-23. Review status: criteria provided, single submitter. Criteria: ACMG Guidelines, 2015. Collection method: clinical testing. Allele origin: germline. Inheritance: Autosomal unknown. Affected: yes.

Illumina Laboratory Services, Illumina
Classification: Pathogenic for Neurodevelopmental disorder with involuntary movements. Last evaluated: 2020-10-05. Review status: criteria provided, single submitter. Criteria: ICSLVariantClassificationCriteria RUGD 01 April 2020. Collection method: clinical testing. Allele origin: unknown.
Comment: The GNAO1 c.736G>A p.(Glu246Lys) missense variant has been identified in individuals with a phenotype consistent with neurodevelopmental disorder with involuntary movements, in whom the variant occurred in a de novo state in at least four individuals (Feng et al. 2018).This variant is not observed in version 2.1.1 of the Genome Aggregation Database. Functional studies demonstrated when the p.Glu246Lys variant was expressed in HEK293T cells, it exhibited increased potency for α2A AR–mediated cAMP inhibition consistent with a gain-of-function mechanism (Feng et al. 2017). Multiple lines of computational evidence suggest the variant may impact the gene or gene product. Based on the collective evidence the c.736G>A p.(Glu246Lys) variant is classified as pathogenic for neurodevelopmental disorder with involuntary movements.

Illumina Laboratory Services, Illumina
Classification: Pathogenic for GNAO1-related developmental delay-seizures-movement disorder spectrum. Last evaluated: 2020-05-10. Review status: criteria provided, single submitter. Criteria: ICSLVariantClassificationCriteria RUGD 01 April 2020. Collection method: clinical testing. Allele origin: unknown.
Comment: The GNAO1 c.736G>A p.(Glu246Lys) missense variant has been identified in individuals with a phenotype consistent with GNAO1-related developmental delay-seizures-movement disorder spectrum. The variant occurred de novo in at least four of the individuals (Feng et al. 2018). This variant is not observed in version 2.1.1 of the Genome Aggregation Database. Functional studies found that when the p.Glu246Lys variant expressed in HEK293T cells, it exhibited increased potency for alpha-2A AR-mediated cAMP inhibition consistent with a gain-of-function mechanism (Feng et al. 2017). Multiple lines of computational evidence suggest the variant may impact the gene or gene product. Based on the collective evidence the c.736G>A p.(Glu246Lys) variant is classified as pathogenic for GNAO1-related developmental delay-seizures-movement disorder spectrum.

Ambry Genetics
Classification: Pathogenic for Inborn genetic diseases. Last evaluated: 2014-06-06. Review status: criteria provided, single submitter. Criteria: Ambry exome assertion method (8-5-2015). Collection method: clinical testing. Allele origin: germline. Affected: yes. Observed: 3 variant alleles. Clinical features observed: Global developmental delay (HP:0001263), Muscular hypotonia (HP:0001252), Movement disorder (HP:0100022), Chorea (HP:0002072), Myoclonus (HP:0001336), Neurodevelopmental delay (HP:0012758), Drooling (HP:0002307), Open mouth (HP:0000194), Abnormal size of the palpebral fissures (HP:0200007), Long eyelashes (HP:0000527), Epicanthus (HP:0000286), Coarse facial features (HP:0000280), and 7 more.

Institute of Human Genetics, Clinical Exome/Genome Diagnostics Group, University Hospital Bonn
Classification: Pathogenic for Neurodevelopmental disorder with involuntary movements. Review status: criteria provided, single submitter. Criteria: ACMG Guidelines, 2015. Collection method: clinical testing. Allele origin: germline. Affected: yes.

Pediatric Department, Peking University First Hospital
Classification: Pathogenic for Developmental delay. Last evaluated: 2021-02-03. Review status: no assertion criteria provided. Collection method: clinical testing. Allele origin: de novo. Affected: yes. Not counted in ClinVar's aggregate classification.

OMIM
Classification: Pathogenic for NEURODEVELOPMENTAL DISORDER WITH INVOLUNTARY MOVEMENTS. Last evaluated: 2017-06-02. Review status: no assertion criteria provided. Collection method: literature only. Allele origin: germline. Not counted in ClinVar's aggregate classification.

Literature cited by the submitters: PubMed 28747448 (cited by 3 submitters); PubMed 27068059 (cited by 6 submitters); PubMed 28628939 (cited by 3 submitters); PubMed 25966631 (cited by 5 submitters); PubMed 33298085 (cited by Dasa and Pediatric Department, Peking University First Hospital); PubMed 28357411 (cited by 3billion); PubMed 25356970 (cited by Ambry Genetics); PubMed 26795593 (cited by Ambry Genetics); PubMed 29761117 (cited by Ambry Genetics); PubMed 31406558 (cited by Ambry Genetics); PubMed 28688840 (cited by Ambry Genetics).